The following is an entry in ClinVar:

ClinVar aggregate classification (germline): Uncertain significance. Review status: criteria provided, multiple submitters, no conflicts (2 of 4 stars). 2 submissions from 2 submitters: Uncertain significance (2). Last evaluated 2022-05-24.

Conditions:
Inborn genetic diseases. Identifiers: MedGen C0950123, MeSH D030342.

Allele frequency attached by ClinVar (database versions not stated): gnomAD exomes below 0.00001; ExAC 0.00001; gnomAD 0.00001; 1000 Genomes Project 0.00020; 1000 Genomes Project 30x 0.00031.

Submissions (2):

Labcorp Genetics (formerly Invitae), Labcorp
Classification: Uncertain significance. Last evaluated: 2022-05-24. Review status: criteria provided, single submitter. Criteria: Invitae Variant Classification Sherloc (09022015). Collection method: clinical testing. Allele origin: germline.
Comment: This sequence change replaces leucine, which is neutral and non-polar, with phenylalanine, which is neutral and non-polar, at codon 396 of the FLAD1 protein (p.Leu396Phe). This variant is present in population databases (rs189649333, gnomAD 0.02%). This variant has not been reported in the literature in individuals affected with FLAD1-related conditions. Algorithms developed to predict the effect of missense changes on protein structure and function are either unavailable or do not agree on the potential impact of this missense change (SIFT: "Deleterious"; PolyPhen-2: "Possibly Damaging"; Align-GVGD: "Class C0"). In summary, the available evidence is currently insufficient to determine the role of this variant in disease. Therefore, it has been classified as a Variant of Uncertain Significance.

Ambry Genetics
Classification: Uncertain significance for Inborn genetic diseases. Last evaluated: 2021-10-29. Review status: criteria provided, single submitter. Criteria: Ambry Variant Classification Scheme 2023. Collection method: clinical testing. Allele origin: germline.

NM_025207.5(FLAD1):c.1186C>T (p.Leu396Phe)

Gene: FLAD1 (flavin adenine dinucleotide synthetase 1; plus strand). Cytogenetic location: 1q21.3.
Variant type: single nucleotide variant.
Coding change: c.1186C>T on transcript NM_025207.5 (MANE Select); coding-DNA position 1186, C replaced by T.
Protein change: p.Leu396Phe; replaces leucine 396 with phenylalanine.
Molecular consequence: missense variant.
Genome position (GRCh38, 1-based): chr1:154,989,628, C>T. VCF-style: chr1-154989628-C-T. GRCh37 (hg19) VCF-style: chr1-154962104-C-T.
Other names: c.895C>T, p.Leu299Phe (NM_001184891.2, NM_201398.3); c.1186C>T (NM_025207.4); short protein forms L299F, L396F.
Identifiers: ClinVar variation 2166362 (VCV002166362.2), dbSNP rs189649333, ClinGen allele CA1134500.